The following is an entry in ClinVar:

ClinVar aggregate classification (germline): Pathogenic (1 of 4 stars; one submission).

Allele frequency attached by ClinVar (database versions not stated): gnomAD exomes below 0.00001; TOPMed below 0.00001.

Submission:

Labcorp Genetics (formerly Invitae), Labcorp
Classification: Pathogenic. Last evaluated: 2022-12-19. Review status: criteria provided, single submitter. Criteria: Invitae Variant Classification Sherloc (09022015). Collection method: clinical testing. Allele origin: germline.
Comment: This sequence change creates a premature translational stop signal (p.Glu330Argfs*35) in the FLAD1 gene. It is expected to result in an absent or disrupted protein product. Loss-of-function variants in FLAD1 are known to be pathogenic (PMID: 27259049). For these reasons, this variant has been classified as Pathogenic. This variant has not been reported in the literature in individuals affected with FLAD1-related conditions. This variant is present in population databases (no rsID available, gnomAD 0.006%).

Literature cited by the submitters: PubMed 27259049.

NM_025207.5(FLAD1):c.987_988insC (p.Glu330fs)

Gene: FLAD1 (flavin adenine dinucleotide synthetase 1; plus strand). Cytogenetic location: 1q21.3.
Variant type: Insertion.
Coding change: c.987_988insC on transcript NM_025207.5 (MANE Select); coding-DNA positions 987 to 988, C inserted.
Protein change: p.Glu330fs; shifts the reading frame from glutamic acid 330.
Molecular consequence: frameshift variant.
Genome position: GRCh38 VCF-style: chr1-154988719-A-AC. GRCh37 (hg19) VCF-style: chr1-154961195-A-AC.
Other names: c.690_691insC, p.Glu231fs (NM_001184892.2); c.696_697insC, p.Glu233fs (NM_201398.3, NM_001184891.2); short protein forms E233fs, E330fs, E231fs.
Identifiers: ClinVar variation 3008498 (VCV003008498.3), dbSNP rs1491220784, ClinGen allele CA526666746.